The following is an entry in ClinVar:

NM_138422.4(ADAT3):c.430G>A (p.Val144Met)

Genes: ADAT3 (adenosine deaminase tRNA specific 3; plus strand), SCAMP4 (secretory carrier membrane protein 4; plus strand). Cytogenetic location: 19p13.3.
Variant type: single nucleotide variant.
Coding change: c.430G>A on transcript NM_138422.4 (MANE Select); coding-DNA position 430, G replaced by A.
Protein change: p.Val144Met; replaces valine 144 with methionine.
Molecular consequence: missense variant. On other transcripts: intron variant (3).
Genome position (GRCh38, 1-based): chr19:1,912,477, G>A. VCF-style: chr19-1912477-G-A. GRCh37 (hg19) VCF-style: chr19-1912476-G-A.
Other names: c.382G>A, p.Val128Met (NM_001329533.2); c.-41-2502G>A (NM_079834.4, NM_001329540.2); c.-125-5217G>A (NM_001329539.2); short protein forms V144M, V128M.
Identifiers: ClinVar variation 183301 (VCV000183301.33), dbSNP rs730882213, ClinGen allele CA186057.

ClinVar aggregate classification (germline): Pathogenic/Likely pathogenic. Review status: criteria provided, multiple submitters, no conflicts (2 of 4 stars). 26 submissions from 25 submitters: Pathogenic (18); Likely pathogenic (2). 6 of the submissions do not count toward it. Last evaluated 2026-08-27.

Conditions:
ADAT3-related disorder. Also called: ADAT3-related condition.
Neurodevelopmental disorder with brain abnormalities.
Intellectual disability-strabismus syndrome (NEDBGF). Also called: NEURODEVELOPMENTAL DISORDER WITH BRAIN ABNORMALITIES, POOR GROWTH, AND DYSMORPHIC FACIES. Identifiers: Orphanet 363528, MedGen C4750838, MONDO:0014119, OMIM 615286.

Allele frequency attached by ClinVar (database versions not stated): gnomAD exomes below 0.00001; gnomAD 0.00001; TOPMed 0.00001.
gnomAD v4.1: 7 of 1,500,450 alleles (0.00047%); highest among the groups gnomAD compares: Middle Eastern, 0.018%; no homozygotes.

Submissions 1 to 17 of 26:

Department of Molecular Genetics, Istishari Arab Hospital
Classification: Pathogenic for Intellectual disability-strabismus syndrome. Last evaluated: 2026-08-27. Review status: criteria provided, single submitter. Criteria: ACMG Guidelines, 2015. Collection method: clinical testing. Allele origin: germline. Inheritance: Autosomal recessive inheritance. Affected: no.
Comment: The ADAT3 variant c.430G>A, p.Val144Met causes an amino acid change from Val to Met at position 144. This variant has previously been described as disease-causing for neurological disorders (PMID: 32860008, 32214227, 30296593, and many others). It is classified as pathogenic according to the recommendations of ACMG/AMP/ClinGen SVI guidelines.

PreventionGenetics, part of Exact Sciences
Classification: Pathogenic for ADAT3-related condition. Last evaluated: 2026-07-08. Review status: criteria provided, single submitter. Criteria: ACMG Guidelines, 2015. Collection method: clinical testing. Allele origin: germline.
Comment: The ADAT3 c.430G>A variant is predicted to result in the amino acid substitution p.Val144Met. This variant, also reported as ADAT3 c.382G>A, (p.Val128Met), has been reported in multiple individuals with intellectual disability and strabismus, and is considered to be a founder mutation in the Saudi Arabian population (Alazami et al. 2013. PubMed ID: 23620220; El-Hattab et al. 2016. PubMed ID: 26842963). Functional studies indicate that this variant substantially reduces tRNA deaminase activity (de as Ramos et al. 2019. PubMed ID: 31263000). This variant is reported in 0.015% of alleles in individuals of East Asian descent in gnomAD. This variant is interpreted as pathogenic.

Clinical Genetics Laboratory, Skane University Hospital Lund
Classification: Pathogenic for Intellectual disability-strabismus syndrome. Last evaluated: 2026-06-11. Review status: criteria provided, single submitter. Criteria: ACMG Guidelines, 2015. Collection method: clinical testing. Allele origin: germline. Affected: yes.
Comment: PS4, PM1_Supporting, PM3, PP1_Strong, PP4

3billion
Classification: Pathogenic for Intellectual disability-strabismus syndrome. Last evaluated: 2026-01-21. Review status: criteria provided, single submitter. Criteria: ACMG Guidelines, 2015. Collection method: clinical testing. Allele origin: germline. Affected: yes.
Comment: The variant is observed at an extremely low frequency in the gnomAD v4.1.0 dataset (total allele frequency: <0.001%). Predicted Consequence/Location: Missense variant The same nucleotide change resulting in the same amino acid change has been previously reported as pathogenic/likely pathogenic with strong evidence (ClinVar ID: VCV000183301 /PMID: 23620220 /3billion dataset). The variant has been observed in multiple (>3) similarly affected unrelated individuals (PMID: 23620220, 26842963). Therefore, this variant is classified as Pathogenic according to the recommendation of ACMG/AMP guideline.

First Genomix Gene Laboratory, Genetic Diagnostics Department
Classification: Pathogenic for Intellectual disability-strabismus syndrome. Last evaluated: 2025-07-30. Review status: criteria provided, single submitter. Criteria: ACMG Guidelines, 2015. Collection method: clinical testing. Allele origin: germline. Inheritance: Autosomal recessive inheritance. Affected: no. Observed: 1 variant allele.

Revvity Omics, Revvity
Classification: Pathogenic for Intellectual disability-strabismus syndrome. Last evaluated: 2025-04-20. Review status: criteria provided, single submitter. Criteria: ACMG Guidelines, 2015. Collection method: clinical testing. Allele origin: germline.

Institute of Medical Genetics and Applied Genomics, University Hospital Tübingen
Classification: Pathogenic for Intellectual disability-strabismus syndrome. Last evaluated: 2025-02-18. Review status: criteria provided, single submitter. Criteria: ACMG Guidelines, 2015. Collection method: clinical testing. Allele origin: germline. Inheritance: Autosomal recessive inheritance. Affected: yes.

GeneDx
Classification: Pathogenic. Last evaluated: 2025-01-24. Review status: criteria provided, single submitter. Criteria: GeneDx Variant Classification Process June 2021. Collection method: clinical testing. Allele origin: germline. Affected: yes.
Comment: In silico analysis indicates that this missense variant does not alter protein structure/function; Also known as p.V128M; This variant is associated with the following publications: (PMID: 32860008, 31130284, 37644014, 34374989, 26633546, 25558065, 30296593, 30529455, 31263000, 32552793, 32214227, 33101984, 28454995, 30202406, 35118659, 26842963, 23620220, 38168508)

Dubai Health Genomic Medicine Center, Dubai Health
Classification: Pathogenic for Neurodevelopmental disorder with brain abnormalities. Last evaluated: 2024-10-04. Review status: criteria provided, single submitter. Criteria: ACMG Guidelines, 2015. Collection method: research. Allele origin: germline. Affected: yes.
Comment: PM3,PS3,PM2,PP3

Daryl Scott Lab, Baylor College of Medicine
Classification: Pathogenic for Intellectual disability-strabismus syndrome. Last evaluated: 2024-04-01. Review status: criteria provided, single submitter. Criteria: ACMG Guidelines, 2015. Collection method: clinical testing. Allele origin: biparental. Affected: yes. Observed: 1 homozygote.
Comment: PS4, PM2

Genomic Medicine Center of Excellence, King Faisal Specialist Hospital and Research Centre
Classification: Likely pathogenic for Intellectual disability-strabismus syndrome. Last evaluated: 2024-03-17. Review status: criteria provided, single submitter. Criteria: ACMG Guidelines, 2015. Collection method: research. Allele origin: germline.

Blueprint Genetics
Classification: Pathogenic for ADAT3-related disorders. Last evaluated: 2021-07-30. Review status: criteria provided, single submitter. Criteria: ACMG Guidelines, 2015. Collection method: clinical testing. Allele origin: germline. Affected: yes. Observed: 5 variant alleles.

Breakthrough Genomics
Classification: Pathogenic for Intellectual disability-strabismus syndrome. Last evaluated: 2021-06-23. Review status: criteria provided, single submitter. Criteria: ACMG Guidelines, 2015. Collection method: clinical testing. Allele origin: germline. Affected: yes.
Comment: This variant is predicted to be damaging by in-silico missense prediction tools (SIFT and Polyphen2). The variant (also known as V128M in literature) was previously reported in patients with intellectual disability and considered as founder mutation in the Saudi Arabian population [PMID: 26842963, 23620220, 32214227]. Functional studies using cell lines derived from intellectual disability-affected individuals showed a severe reduction in tRNA deaminase activity [PMID: 31263000].

Department of Biochemistry, Faculty of Medicine, University of Khartoum
Classification: Pathogenic for Intellectual disability-strabismus syndrome. Last evaluated: 2021-03-25. Review status: criteria provided, single submitter. Criteria: ACMG Guidelines, 2015. Collection method: research. Allele origin: germline. Inheritance: Autosomal recessive inheritance. Affected: yes. Observed: 2 homozygotes.
Comment: We detected the variant NM_138422.3(ADAT3): c.430G>A (p.Val144Met, rs730882213) in two female siblings with Mental retardation, autosomal recessive 36 using whole-exome sequencing. We validated the variant's status in the patients using Sanger sequencing and detected it in a heterozygous status in their parents. Multiple reports previously classified the variant NM_138422.3(ADAT3): c.430G>A (p.Val144Met, rs730882213) as pathogenic (Alazami et al., 2013; El-Hattab et al., 2016).

Baylor Genetics
Classification: Pathogenic for Intellectual disability-strabismus syndrome. Last evaluated: 2020-06-03. Review status: criteria provided, single submitter. Criteria: ACMG Guidelines, 2015. Collection method: clinical testing. Allele origin: unknown. Affected: yes.
Comment: This variant was determined to be pathogenic according to ACMG Guidelines, 2015 [PMID:25741868].

Broad Center for Mendelian Genomics, Broad Institute of MIT and Harvard
Classification: Pathogenic for Intellectual disability-strabismus syndrome. Review status: criteria provided, single submitter. Criteria: ACMG Guidelines, 2015. Collection method: research. Allele origin: germline. Inheritance: Autosomal recessive inheritance. Affected: yes. Study: Broad Institute Center for Mendelian Genomics (CMG).
Comment: The p.Val144Met variant is believed to be pathogenic based on numberous reports by other laboratories in the literature and databases.

CENTOGENE GmbH and LLC - Guiding Precision Medicine
Classification: Pathogenic for Intellectual disability-strabismus syndrome. Review status: criteria provided, single submitter. Criteria: ACMG Guidelines, 2015. Collection method: clinical testing. Allele origin: germline. Affected: yes.